The following is an entry in ClinVar:

NM_133510.4(RAD51B):c.428C>T (p.Thr143Ile)

Gene: RAD51B (RAD51 paralog B; plus strand). Cytogenetic location: 14q24.1.
Variant type: single nucleotide variant.
Coding change: c.428C>T on transcript NM_133510.4 (MANE Select); coding-DNA position 428, C replaced by T.
Protein change: p.Thr143Ile; replaces threonine 143 with isoleucine.
Molecular consequence: missense variant.
Genome position (GRCh38, 1-based): chr14:67,865,115, C>T. VCF-style: chr14-67865115-C-T. GRCh37 (hg19) VCF-style: chr14-68331832-C-T.
Other names: c.428C>T, p.Thr143Ile (NM_001321809.2, NM_001321810.2, NM_001321812.1 and 6 more transcripts); c.314C>T, p.Thr105Ile (NM_001321815.1); c.71C>T, p.Thr24Ile (NM_001321817.2); short protein forms T143I, T105I, T24I.
Identifiers: ClinVar variation 3786390 (VCV003786390.1).

ClinVar aggregate classification (germline): Uncertain significance (1 of 4 stars; one submission).

gnomAD v4.1: 63 of 1,602,290 alleles (0.0039%); highest among the groups gnomAD compares: South Asian, 0.055%; no homozygotes.

Submission:

Ambry Genetics
Classification: Uncertain significance. Last evaluated: 2025-01-07. Review status: criteria provided, single submitter. Criteria: Ambry Variant Classification Scheme 2023. Collection method: clinical testing. Allele origin: germline.
Comment: The p.T143I variant (also known as c.428C>T), located in coding exon 4 of the RAD51B gene, results from a C to T substitution at nucleotide position 428. The threonine at codon 143 is replaced by isoleucine, an amino acid with similar properties. This amino acid position is highly conserved in available vertebrate species. In addition, this alteration is predicted to be deleterious by in silico analysis. The evidence for this gene-disease relationship is limited; therefore, the clinical significance of this alteration is unclear.